The following is an entry in ClinVar:

ClinVar aggregate classification (germline): Conflicting classifications of pathogenicity. Review status: criteria provided, conflicting classifications (1 of 4 stars). 2 submissions from 2 submitters: Uncertain significance (1); Likely benign (1). Last evaluated 2025-11-01.

gnomAD v4.1: 3 of 1,452,824 alleles (0.00021%); highest among the groups gnomAD compares: South Asian, 0.0014%; no homozygotes.

Submissions (2):

CeGaT Center for Human Genetics Tuebingen
Classification: Likely benign. Last evaluated: 2025-11-01. Review status: criteria provided, single submitter. Criteria: CeGaT Center For Human Genetics Tuebingen Variant Classification Criteria Version 2. Collection method: clinical testing. Allele origin: germline. Affected: yes. Observed: 1 variant allele.
Comment: MAGEL2: BP4, BP7

Labcorp Genetics (formerly Invitae), Labcorp
Classification: Uncertain significance. Last evaluated: 2022-05-13. Review status: criteria provided, single submitter. Criteria: Invitae Variant Classification Sherloc (09022015). Collection method: clinical testing. Allele origin: germline.
Comment: This sequence change affects codon 2 of the MAGEL2 mRNA. It is a 'silent' change, meaning that it does not change the encoded amino acid sequence of the MAGEL2 protein. This variant is not present in population databases (gnomAD no frequency). This variant has not been reported in the literature in individuals affected with MAGEL2-related conditions. In summary, the available evidence is currently insufficient to determine the role of this variant in disease. Therefore, it has been classified as a Variant of Uncertain Significance.

NM_019066.5(MAGEL2):c.6G>A (p.Ser2=)

Gene: MAGEL2 (MAGE family member L2; minus strand). Cytogenetic location: 15q11.2.
Variant type: single nucleotide variant.
Coding change: c.6G>A on transcript NM_019066.5 (MANE Select); coding-DNA position 6, G replaced by A.
Protein change: p.Ser2=; no amino-acid change (serine 2 retained).
Molecular consequence: synonymous variant.
Genome position (GRCh38, 1-based): chr15:23,647,737, C>T on the plus strand (G>A on the coding strand, the complement: MAGEL2 is on the minus strand). VCF-style: chr15-23647737-C-T. GRCh37 (hg19) VCF-style: chr15-23892884-C-T.
Identifiers: ClinVar variation 1993290 (VCV001993290.9), dbSNP rs1222522082, ClinGen allele CA711342694.